The following is an entry in ClinVar:

ClinVar aggregate classification (germline): Uncertain significance (1 of 4 stars; one submission).

Conditions:
Hereditary cancer-predisposing syndrome. Also called: Tumor predisposition; Hereditary neoplastic syndrome; Neoplastic Syndromes, Hereditary; Hereditary Cancer Syndrome. Identifiers: Orphanet 140162, MedGen C0027672, MeSH D009386, MONDO:0015356.

Submission:

Ambry Genetics
Classification: Uncertain significance for Hereditary cancer-predisposing syndrome. Last evaluated: 2025-06-06. Review status: criteria provided, single submitter. Criteria: Ambry Variant Classification Scheme 2023. Collection method: clinical testing. Allele origin: germline.
Comment: The c.2465_2467delATA variant (also known as p.N822del) is located in coding exon 9 of the BRCA1 gene. This variant results from an in-frame ATA deletion at nucleotide positions 2465 to 2467. This results in the in-frame deletion of an asparagine at codon 822. This amino acid position is poorly conserved in available vertebrate species. In addition, this variant is predicted to be deleterious by in silico analysis (Choi Y et al. PLoS ONE. 2012; 7(10):e46688). Based on the available evidence, the clinical significance of this variant remains unclear.

NM_007294.4(BRCA1):c.2462ATA[1] (p.Asn822del)

Gene: BRCA1 (BRCA1 DNA repair associated; minus strand). Cytogenetic location: 17q21.31.
Variant type: Microsatellite.
Coding change: c.2462ATA[1] on transcript NM_007294.4 (MANE Select); one copy of the 3-base unit ATA starting at c.2462; the reference has two copies in a row; one copy, 3 bases deleted.
Protein change: p.Asn822del; deletes asparagine 822.
Molecular consequence: intron variant (on NM_001408418.1). On other transcripts: inframe indel (2).
Genome position (GRCh38, 1-based): chr17:43,093,064-43,093,066, TAT deleted on the plus strand (ATA on the coding strand, the reverse complement: BRCA1 is on the minus strand); deleting any 3 consecutive bases within chr17:43,093,064-43,093,069 gives the same sequence; the position shown is the placement nearest the transcript's 3' end. VCF-style (leftmost placement, unchanged base first): chr17-43093063-CTAT-C. GRCh37 (hg19) VCF-style: chr17-41245080-CTAT-C.
Other names: c.2249ATA[1], p.Asn751del (NM_001407571.1, NM_001407915.1, NM_001407916.1 and 9 more transcripts); c.2462ATA[1], p.Asn822del (NM_001407581.1, NM_007300.4, NM_001407582.1 and 30 more transcripts); c.671-2034_671-2032del (NM_001408418.1, NM_001408419.1, NM_001408422.1 and 2 more transcripts); c.787+1678_787+1680del (NM_001407981.1, NM_007298.4, NM_001407978.1 and 17 more transcripts); c.643+1678_643+1680del (NM_001408462.1, NM_001408465.1, NM_001408463.1 and 3 more transcripts); c.709+1678_709+1680del (NM_001408414.1, NM_001408411.1, NM_001408415.1 and 2 more transcripts); c.577+1678_577+1680del (NM_001408514.1, NM_001408485.1, NM_001408483.1 and 9 more transcripts); c.661+1678_661+1680del (NM_001408447.1, NM_001408433.1, NM_001408445.1 and 6 more transcripts); and 43 more; short protein forms N694del, N734del, N754del, N775del, N780del, N781del, N822del, N526del.
Identifiers: ClinVar variation 3992636 (VCV003992636.1).